The following is an entry in ClinVar:

NM_001358921.2(COQ2):c.148G>A (p.Glu50Lys)

Genes: COQ2 (coenzyme Q2, polyprenyltransferase; minus strand), LOC112997540 (Sharpr-MPRA regulatory region 13773; plus strand). Cytogenetic location: 4q21.23.
Variant type: single nucleotide variant.
Coding change: c.148G>A on transcript NM_001358921.2 (MANE Select); coding-DNA position 148, G replaced by A.
Protein change: p.Glu50Lys; replaces glutamic acid 50 with lysine.
Molecular consequence: missense variant.
Genome position (GRCh38, 1-based): chr4:83,284,617, C>T on the plus strand (G>A on the coding strand, the complement: COQ2 is on the minus strand). VCF-style: chr4-83284617-C-T. GRCh37 (hg19) VCF-style: chr4-84205770-C-T.
Other names: c.298G>A, p.Glu100Lys (NM_015697.9); c.298G>A (NM_015697.8); short protein forms E50K, E100K.
Identifiers: ClinVar variation 1928520 (VCV001928520.6), dbSNP rs775381654, ClinGen allele CA2988675.

ClinVar aggregate classification (germline): Uncertain significance. Review status: criteria provided, multiple submitters, no conflicts (2 of 4 stars). 2 submissions from 2 submitters: Uncertain significance (2). Last evaluated 2024-01-24.

Conditions:
Coenzyme Q10 deficiency, primary, 1. Also called: UBIQUINONE DEFICIENCY 1; COENZYME Q DEFICIENCY 1; CoQ DEFICIENCY 1. Identifiers: Orphanet 255249, MedGen C3551954, MONDO:0011829, OMIM 607426.
Multiple system atrophy 1, susceptibility to. Also called: MSA1, SUSCEPTIBILITY TO. Identifiers: MedGen C3714927, MONDO:0020715, OMIM 146500.

Allele frequency attached by ClinVar (database versions not stated): gnomAD exomes below 0.00001; gnomAD 0.00001; 1000 Genomes Project 30x 0.00031.
gnomAD v4.1: 5 of 1,523,886 alleles (0.00033%); highest among the groups gnomAD compares: Middle Eastern, 0.019%; no homozygotes.

Submissions (2):

Fulgent Genetics
Classification: Uncertain significance for Multiple system atrophy 1, susceptibility to; Coenzyme Q10 deficiency, primary, 1. Last evaluated: 2024-01-24. Review status: criteria provided, single submitter. Criteria: ACMG Guidelines, 2015. Collection method: clinical testing. Allele origin: germline.

Labcorp Genetics (formerly Invitae), Labcorp
Classification: Uncertain significance. Last evaluated: 2022-08-20. Review status: criteria provided, single submitter. Criteria: Invitae Variant Classification Sherloc (09022015). Collection method: clinical testing. Allele origin: germline.
Comment: This sequence change replaces glutamic acid, which is acidic and polar, with lysine, which is basic and polar, at codon 100 of the COQ2 protein (p.Glu100Lys). In summary, the available evidence is currently insufficient to determine the role of this variant in disease. Therefore, it has been classified as a Variant of Uncertain Significance. Algorithms developed to predict the effect of missense changes on protein structure and function (SIFT, PolyPhen-2, Align-GVGD) all suggest that this variant is likely to be tolerated. This variant has not been reported in the literature in individuals affected with COQ2-related conditions. This variant is not present in population databases (gnomAD no frequency).